The following is an entry in ClinVar:

NM_005560.6(LAMA5):c.2323C>T (p.Arg775Cys)

Gene: LAMA5 (laminin subunit alpha 5; minus strand). Cytogenetic location: 20q13.33.
Variant type: single nucleotide variant.
Coding change: c.2323C>T on transcript NM_005560.6 (MANE Select); coding-DNA position 2323, C replaced by T.
Protein change: p.Arg775Cys; replaces arginine 775 with cysteine.
Molecular consequence: missense variant.
Genome position (GRCh38, 1-based): chr20:62,336,340, G>A on the plus strand (C>T on the coding strand, the complement: LAMA5 is on the minus strand). VCF-style: chr20-62336340-G-A. GRCh37 (hg19) VCF-style: chr20-60911396-G-A.
Other names: short protein forms R775C.
Identifiers: ClinVar variation 2634760 (VCV002634760.2), dbSNP rs201613863, ClinGen allele CA9943510.

ClinVar aggregate classification (germline): Uncertain significance. Review status: criteria provided, multiple submitters, no conflicts (2 of 4 stars). 2 submissions from 2 submitters: Uncertain significance (2). Last evaluated 2024-12-19.

Conditions:
Nephrotic syndrome, IIa 26. Also called: Nephrotic syndrome, type 26. Identifiers: MedGen C5774221, MONDO:0031061, OMIM 620049.
LAMA5-related disorder. Also called: LAMA5-related condition; LAMA5-Related Disorders.

Allele frequency attached by ClinVar (database versions not stated): ExAC 0.00006; gnomAD 0.00007; gnomAD exomes 0.00008; TOPMed 0.00009.
gnomAD v4.1: 129 of 1,602,872 alleles (0.008%); highest among the groups gnomAD compares: South Asian, 0.032%; no homozygotes.

Submissions (2):

Genomic Medicine Center of Excellence, King Faisal Specialist Hospital and Research Centre
Classification: Uncertain significance for Nephrotic syndrome, IIa 26. Last evaluated: 2024-12-19. Review status: criteria provided, single submitter. Criteria: ACMG Guidelines, 2015. Collection method: clinical testing. Allele origin: germline.

PreventionGenetics, part of Exact Sciences
Classification: Uncertain significance for LAMA5-related condition. Last evaluated: 2023-04-20. Review status: criteria provided, single submitter. Criteria: ACMG Guidelines, 2015. Collection method: clinical testing. Allele origin: germline.
Comment: The LAMA5 c.2323C>T variant is predicted to result in the amino acid substitution p.Arg775Cys. To our knowledge, this variant has not been reported in the literature. This variant is reported in 0.030% of alleles in individuals of South Asian descent in gnomAD. At this time, the clinical significance of this variant is uncertain due to the absence of conclusive functional and genetic evidence.